The following is an entry in ClinVar:

NM_144997.7(FLCN):c.396+3del

Gene: FLCN (folliculin; minus strand). Cytogenetic location: 17p11.2.
Variant type: Deletion.
Coding change: c.396+3del on transcript NM_144997.7 (MANE Select); 3 bases into the intron after coding-DNA position 396, one base deleted (G; older notation c.396+3delG).
Molecular consequence: intron variant.
Genome position (GRCh38, 1-based): chr17:17,226,173, C deleted on the plus strand (G on the coding strand, the reverse complement: FLCN is on the minus strand). VCF-style (leftmost placement, unchanged base first): chr17-17226172-TC-T. GRCh37 (hg19) VCF-style: chr17-17129486-TC-T.
Other names: c.396+3del (NM_001353231.2, NM_001353230.2, NM_001353229.2 and 1 more transcripts).
Identifiers: ClinVar variation 3515662 (VCV003515662.1).

ClinVar aggregate classification (germline): Uncertain significance (1 of 4 stars; one submission).

Conditions:
Hereditary cancer-predisposing syndrome. Also called: Tumor predisposition; Neoplastic Syndromes, Hereditary; Hereditary Cancer Syndrome; Hereditary neoplastic syndrome. Identifiers: Orphanet 140162, MedGen C0027672, MeSH D009386, MONDO:0015356.

Submission:

Ambry Genetics
Classification: Uncertain significance for Hereditary cancer-predisposing syndrome. Last evaluated: 2024-11-14. Review status: criteria provided, single submitter. Criteria: Ambry Variant Classification Scheme 2023. Collection method: clinical testing. Allele origin: germline.
Comment: The c.396+3delG intronic variant, located in intron 2 of the FLCN gene, results from a deletion of one nucleotide within intron 2 of the FLCN gene. This nucleotide position is not well conserved in available vertebrate species. In silico splice site analysis predicts that this alteration may result in the creation or strengthening of a novel splice donor site. Based on the available evidence, the clinical significance of this variant remains unclear.